The following is an entry in ClinVar:

ClinVar aggregate classification (germline): Likely pathogenic (1 of 4 stars; one submission).

Conditions:
Hereditary diffuse gastric adenocarcinoma (HDGC). Also called: DIFFUSE GASTRIC AND LOBULAR BREAST CANCER SYNDROME. Identifiers: Orphanet 26106, MedGen C1708349, MONDO:0007648, OMIM 137215.

Submission:

Labcorp Genetics (formerly Invitae), Labcorp
Classification: Likely pathogenic for Hereditary diffuse gastric adenocarcinoma. Last evaluated: 2022-11-01. Review status: criteria provided, single submitter. Criteria: Invitae Variant Classification Sherloc (09022015). Collection method: clinical testing. Allele origin: germline.
Comment: In summary, the currently available evidence indicates that the variant is pathogenic, but additional data are needed to prove that conclusively. Therefore, this variant has been classified as Likely Pathogenic. Algorithms developed to predict the effect of sequence changes on RNA splicing suggest that this variant may disrupt the consensus splice site. ClinVar contains an entry for this variant (Variation ID: 568041). This variant has not been reported in the literature in individuals affected with CDH1-related conditions. This variant is not present in population databases (gnomAD no frequency). This variant results in the deletion of part of exon 7 (c.833-8_836del) of the CDH1 gene. It is expected to disrupt RNA splicing. Variants that disrupt the donor or acceptor splice site typically lead to a loss of protein function (PMID: 16199547), and loss-of-function variants in CDH1 are known to be pathogenic (PMID: 15235021, 20373070).

Literature cited by the submitters: PubMed 16199547; PubMed 15235021; PubMed 20373070.

NM_004360.5(CDH1):c.833-8_836del

Gene: CDH1 (cadherin 1; plus strand). Cytogenetic location: 16q22.1.
Variant type: Deletion.
Coding change: c.833-8_836del on transcript NM_004360.5 (MANE Select); 8 bases into the intron before coding-DNA position 833 through coding-DNA position 836, 12 bases deleted (TCTTCCAGGAAC).
Molecular consequence: splice acceptor variant.
Genome position (GRCh38, 1-based): chr16:68,811,676-68,811,687, TCTTCCAGGAAC deleted; deleting any 12 consecutive bases within chr16:68,811,672-68,811,687 gives the same sequence; the c. name uses the placement nearest the transcript's 3' end. VCF-style (leftmost placement, unchanged base first): chr16-68811671-TGAACTCTTCCAG-T. GRCh37 (hg19) VCF-style: chr16-68845574-TGAACTCTTCCAG-T.
Other names: c.833-8_836del (LRG_301t1, NM_001317184.2); c.-783-8_-780del (NM_001317185.2); c.-987-8_-984del (NM_001317186.2).
Identifiers: ClinVar variation 568041 (VCV000568041.7), dbSNP rs1567506511, ClinGen allele CA891844134.
Genomic context (GRCh38, chr16:68,811,671, plus strand): 5'-ATTGGATTAAGCAGTATTGACCCAGTCCCAAAGTGCAGCTTGTCTAAACCTTCATCTCCT[TGAACTCTTCCAG>T]GAACCTCTGTGATGGAGGTCACAGCCACAGACGCGGACGATGATGTGAACACCTACAATG-3'